The following is an entry in ClinVar:

ClinVar aggregate classification (germline): Uncertain significance (1 of 4 stars; one submission).

Conditions:
Hereditary diffuse gastric adenocarcinoma (HDGC). Also called: DIFFUSE GASTRIC AND LOBULAR BREAST CANCER SYNDROME. Identifiers: Orphanet 26106, MedGen C1708349, MONDO:0007648, OMIM 137215.

Submission:

European Reference Network on Genetic Tumour Risk Syndromes (ERN-GENTURIS), i3s - Instituto de Investigação e Inovação em Saúde, University of Porto
Classification: Uncertain significance for Hereditary diffuse gastric adenocarcinoma. Last evaluated: 2022-08-01. Review status: criteria provided, single submitter. Criteria: Lee et al. (Hum Mutat. 2018). Collection method: clinical testing. Allele origin: germline. Inheritance: Autosomal dominant inheritance. Affected: no. Study: ERN GENTURIS.
Comment: PM2 (PMID: 30311375)

Literature cited by the submitters: PubMed 36436516.

NM_004360.5(CDH1):c.2266G>T (p.Asp756Tyr)

Gene: CDH1 (cadherin 1; plus strand). Cytogenetic location: 16q22.1.
Variant type: single nucleotide variant.
Coding change: c.2266G>T on transcript NM_004360.5 (MANE Select); coding-DNA position 2266, G replaced by T.
Protein change: p.Asp756Tyr; replaces aspartic acid 756 with tyrosine.
Molecular consequence: missense variant.
Genome position (GRCh38, 1-based): chr16:68,828,275, G>T. VCF-style: chr16-68828275-G-T. GRCh37 (hg19) VCF-style: chr16-68862178-G-T.
Other names: c.2083G>T, p.Asp695Tyr (NM_001317184.2); c.718G>T, p.Asp240Tyr (NM_001317185.2); c.301G>T, p.Asp101Tyr (NM_001317186.2); short protein forms D101Y, D240Y, D695Y, D756Y.
Identifiers: ClinVar variation 2502995 (VCV002502995.1), dbSNP rs1555517677, ClinGen allele CA396469975.
Genomic context (GRCh38, chr16:68,828,275, plus strand): 5'-GTGGTCAAAGAGCCCTTACTGCCCCCAGAGGATGACACCCGGGACAACGTTTATTACTAT[G>T]ATGAAGAAGGAGGCGGAGAAGAGGACCAGGTGGGTTTTGAAAACCTTGGTAGCTCAGTGG-3'
Protein context (NP_004351.1, residues 746-766): DDTRDNVYYY[Asp756Tyr]EEGGGEEDQD